The following is an entry in ClinVar:

NM_001081.4(CUBN):c.8185-2A>C

Gene: CUBN (cubilin; minus strand). Cytogenetic location: 10p13.
Variant type: single nucleotide variant.
Coding change: c.8185-2A>C on transcript NM_001081.4 (MANE Select); the canonical splice acceptor site of the intron before coding-DNA position 8185, A replaced by C.
Molecular consequence: splice acceptor variant.
Genome position (GRCh38, 1-based): chr10:16,900,852, T>G on the plus strand (A>C on the coding strand, the complement: CUBN is on the minus strand). VCF-style: chr10-16900852-T-G. GRCh37 (hg19) VCF-style: chr10-16942851-T-G.
Identifiers: ClinVar variation 4540401 (VCV004540401.1).

ClinVar aggregate classification (germline): Likely pathogenic (1 of 4 stars; one submission).

Conditions:
Proteinuria, chronic benign. Identifiers: MedGen C5394384, MONDO:0030042, OMIM 618884.

Submission:

MVZ Medizinische Genetik Mainz
Classification: Likely pathogenic for Proteinuria, chronic benign. Last evaluated: 2025-11-27. Review status: criteria provided, single submitter. Criteria: UK Practice Guidelines For Variant Classification V4 01 2020. Collection method: clinical testing. Allele origin: germline. Inheritance: Autosomal recessive inheritance. Affected: yes. Observed: 1 variant allele.
Comment: ACMG Criteria: PVS1,PM2_SUP